The following is an entry in ClinVar:

ClinVar aggregate classification (germline): Benign/Likely benign. Review status: criteria provided, multiple submitters, no conflicts (2 of 4 stars). 10 submissions from 10 submitters: Benign (5); Likely benign (3). 2 of the submissions do not count toward it. Last evaluated 2026-02-03.

Conditions:
Neurofibromatosis, type 2 (SWNV). Also called: BILATERAL ACOUSTIC NEUROFIBROMATOSIS; NF2-Related Schwannomatosis; SCHWANNOMATOSIS, VESTIBULAR. Identifiers: Orphanet 637, MedGen C0027832, MONDO:0007039, OMIM 101000. Disease mechanism: loss of function.
Meningioma. Also called: Meningioma, somatic. Identifiers: Orphanet 2495, MedGen C0025286, MONDO:0016642, HP:0002858.

Allele frequency attached by ClinVar (database versions not stated): TOPMed 0.00029; gnomAD 0.00030; ESP Exome Variant Server 0.00031; 1000 Genomes Project 0.00040; gnomAD exomes 0.00049; ExAC 0.00061; 1000 Genomes Project 30x 0.00062.
gnomAD v4.1: 839 of 1,597,172 alleles (0.053%); highest among the groups gnomAD compares: Non-Finnish European, 0.067%; no homozygotes.

Submissions (10):

Labcorp Genetics (formerly Invitae), Labcorp
Classification: Benign for Neurofibromatosis, type 2. Last evaluated: 2026-02-03. Review status: criteria provided, single submitter. Criteria: Invitae Variant Classification Sherloc (09022015). Collection method: clinical testing. Allele origin: germline.

Women's Health and Genetics/Laboratory Corporation of America, LabCorp
Classification: Benign. Last evaluated: 2025-12-26. Review status: criteria provided, single submitter. Criteria: LabCorp Variant Classification Summary - May 2015. Collection method: clinical testing. Allele origin: germline.
Comment: Variant summary: NF2 c.886-15C>T alters a non-conserved nucleotide located at a position not widely known to affect splicing. Consensus agreement among computation tools predict no significant impact on normal splicing. However, these predictions have yet to be confirmed by functional studies. The variant allele was found at a frequency of 0.00049 in 251170 control chromosomes, predominantly at a frequency of 0.00094 within the Non-Finnish European subpopulation in the gnomAD database. The observed variant frequency exceeds the estimated maximal expected allele frequency for disease-causing variants in NF2. To our knowledge, no occurrence of c.886-15C>T in individuals affected with NF2-related conditions and no experimental evidence demonstrating its impact on protein function have been reported. ClinVar contains an entry for this variant (Variation ID: 341070). Based on the evidence outlined above, the variant was classified as benign.

Blueprint Genetics
Classification: Likely benign. Last evaluated: 2024-11-20. Review status: criteria provided, single submitter. Criteria: ACMG Guidelines, 2015. Collection method: clinical testing. Allele origin: germline.

Department of Pathology and Laboratory Medicine, Sinai Health System
Classification: Likely benign for Meningioma; Neurofibromatosis, type 2. Last evaluated: 2022-12-23. Review status: criteria provided, single submitter. Criteria: ACMG Guidelines, 2015. Collection method: clinical testing. Allele origin: germline. Affected: yes.

Color Diagnostics, LLC DBA Color Health
Classification: Benign for Neurofibromatosis, type 2. Last evaluated: 2022-03-08. Review status: criteria provided, single submitter. Criteria: ACMG Guidelines, 2015. Collection method: clinical testing. Allele origin: germline.

Genome-Nilou Lab
Classification: Benign for Neurofibromatosis, type 2. Last evaluated: 2021-11-07. Review status: criteria provided, single submitter. Criteria: ACMG Guidelines, 2015. Collection method: clinical testing. Allele origin: germline. Affected: no.

Mendelics
Classification: Likely benign for Neurofibromatosis, type 2. Last evaluated: 2019-05-28. Review status: criteria provided, single submitter. Criteria: Mendelics Assertion Criteria 2017. Collection method: clinical testing. Allele origin: unknown.

Illumina Laboratory Services, Illumina
Classification: Benign for Neurofibromatosis, type 2. Last evaluated: 2018-01-13. Review status: criteria provided, single submitter. Criteria: ICSL Variant Classification Criteria 13 December 2019. Collection method: clinical testing. Allele origin: germline.
Comment: This variant was observed in the ICSL laboratory as part of a predisposition screen in an ostensibly healthy population. It had not been previously curated by ICSL or reported in the Human Gene Mutation Database (HGMD: prior to June 1st, 2018), and was therefore a candidate for classification through an automated scoring system. Utilizing variant allele frequency, disease prevalence and penetrance estimates, and inheritance mode, an automated score was calculated to assess if this variant is too frequent to cause the disease. Based on the score and internal cut-off values, a variant classified as benign is not then subjected to further curation. The score for this variant resulted in a classification of benign for this disease.

Clinical Genetics DNA and cytogenetics Diagnostics Lab, Erasmus MC, Erasmus Medical Center
Classification: Benign. Review status: no assertion criteria provided. Collection method: clinical testing. Allele origin: germline. Affected: yes. Study: VKGL Data-share Consensus. Not counted in ClinVar's aggregate classification.

Diagnostic Laboratory, Department of Genetics, University Medical Center Groningen
Classification: Likely benign. Review status: no assertion criteria provided. Collection method: clinical testing. Allele origin: germline. Affected: yes. Study: VKGL Data-share Consensus. Not counted in ClinVar's aggregate classification.

NM_000268.4(NF2):c.886-15C>T

Gene: NF2 (NF2, moesin-ezrin-radixin like (MERLIN) tumor suppressor; plus strand). Cytogenetic location: 22q12.2.
Variant type: single nucleotide variant.
Coding change: c.886-15C>T on transcript NM_000268.4 (MANE Select); 15 bases into the intron before coding-DNA position 886, C replaced by T.
Molecular consequence: intron variant.
Genome position (GRCh38, 1-based): chr22:29,668,318, C>T. VCF-style: chr22-29668318-C-T. GRCh37 (hg19) VCF-style: chr22-30064307-C-T.
Other names: c.886-15C>T (NM_016418.5, NM_181832.3, NM_181825.3); c.447+26033C>T (NM_181833.3); c.763-15C>T (NM_181829.3); c.760-15C>T (NM_181828.3); c.637-15C>T (NM_181830.3, NM_181831.3).
Identifiers: ClinVar variation 341070 (VCV000341070.24), dbSNP rs200837904, ClinGen allele CA035719.